The following is an entry in ClinVar:

ClinVar aggregate classification (germline): Uncertain significance (1 of 4 stars; one submission).

Conditions:
Hereditary cancer-predisposing syndrome. Also called: Neoplastic Syndromes, Hereditary; Tumor predisposition; Hereditary Cancer Syndrome; Hereditary neoplastic syndrome. Identifiers: Orphanet 140162, MedGen C0027672, MeSH D009386, MONDO:0015356.

Submission:

Ambry Genetics
Classification: Uncertain significance for Hereditary cancer-predisposing syndrome. Last evaluated: 2026-05-18. Review status: criteria provided, single submitter. Criteria: Ambry Variant Classification Scheme 2023. Collection method: clinical testing. Allele origin: germline.
Comment: The p.D999H variant (also known as c.2995G>C), located in coding exon 20 of the SMARCA4 gene, results from a G to C substitution at nucleotide position 2995. The aspartic acid at codon 999 is replaced by histidine, an amino acid with similar properties. This amino acid position is conserved. In addition, this alteration is predicted to be deleterious by in silico analysis. Based on the available evidence, the clinical significance of this variant remains unclear.

NM_003072.5(SMARCA4):c.2995G>C (p.Asp999His)

Gene: SMARCA4 (SWI/SNF related BAF chromatin remodeling complex subunit ATPase 4; plus strand). Cytogenetic location: 19p13.2.
Variant type: single nucleotide variant.
Coding change: c.2995G>C on transcript NM_003072.5 (MANE Select); coding-DNA position 2995, G replaced by C.
Protein change: p.Asp999His; replaces aspartic acid 999 with histidine.
Molecular consequence: missense variant. On other transcripts: non-coding transcript variant (1).
Genome position (GRCh38, 1-based): chr19:11,024,352, G>C. VCF-style: chr19-11024352-G-C. GRCh37 (hg19) VCF-style: chr19-11135028-G-C.
Other names: c.2995G>C, p.Asp999His (NM_001128844.3, NM_001128845.2, NM_001128846.2 and 6 more transcripts); short protein forms D999H.
Identifiers: ClinVar variation 4864782 (VCV004864782.1).